The following is an entry in ClinVar:

NM_000059.4(BRCA2):c.475+1G>A

Gene: BRCA2 (BRCA2 DNA repair associated; plus strand). Cytogenetic location: 13q13.1.
Variant type: single nucleotide variant.
Coding change: c.475+1G>A on transcript NM_000059.4 (MANE Select); the canonical splice donor site of the intron after coding-DNA position 475, G replaced by A.
Molecular consequence: splice donor variant.
Genome position (GRCh38, 1-based): chr13:32,326,151, G>A. VCF-style: chr13-32326151-G-A. GRCh37 (hg19) VCF-style: chr13-32900288-G-A.
Other names: IVS5+1G>A; c.475+1G>A (NM_001406720.1, NM_001406719.1, NM_001406721.1); c.106+1G>A (NM_001406722.1).
Identifiers: ClinVar variation 51708 (VCV000051708.38), dbSNP rs81002797, ClinGen allele CA020753.
Genomic context (GRCh38, chr13:32,326,151, plus strand): 5'-TTTATTTTAGTCCTGTTGTTCTACAATGTACACATGTAACACCACAAAGAGATAAGTCAG[G>A]TATGATTAAAAACAATGCTTTTTATTCTTAGAATACTAGAAATGTTAATAAAAATAAAAC-3'

ClinVar aggregate classification (germline): Pathogenic. Review status: reviewed by expert panel (3 of 4 stars). 11 submissions from 11 submitters: Pathogenic (1). 10 of the submissions do not count toward it. Last evaluated 2016-04-03.

Conditions:
Gastric cancer. Also called: Stomach cancer; Malignant tumor of stomach. Identifiers: MedGen C0024623, MeSH D013274, MONDO:0001056, OMIM 613659, HP:0012126.
Hereditary cancer-predisposing syndrome. Also called: Hereditary Cancer Syndrome; Neoplastic Syndromes, Hereditary; Hereditary neoplastic syndrome; Tumor predisposition. Identifiers: Orphanet 140162, MedGen C0027672, MeSH D009386, MONDO:0015356.
Hereditary breast ovarian cancer syndrome. Also called: Hereditary breast and ovarian cancer syndrome; Breast and ovarian cancer; BRCA1- and BRCA2-Associated Hereditary Breast and Ovarian Cancer; Hereditary breast and/or ovarian cancer syndrome; Hereditary breast and ovarian cancer; Hereditary breast and ovarian cancer syndrome (HBOC). Identifiers: Orphanet 145, MedGen C0677776, MeSH D061325, MONDO:0003582. Disease mechanism: loss of function.
Breast-ovarian cancer, familial, susceptibility to, 2 (BROVCA2). Also called: BRCA2 Hereditary Breast and Ovarian Cancer. Identifiers: Orphanet 145, MedGen C2675520, MONDO:0012933, OMIM 612555. Disease mechanism: loss of function.

Allele frequency attached by ClinVar (database versions not stated): ExAC 0.00001.

Submissions (11):

Evidence-based Network for the Interpretation of Germline Mutant Alleles (ENIGMA)
Classification: Pathogenic for Breast-ovarian cancer, familial, susceptibility to, 2. Last evaluated: 2016-04-03. Review status: reviewed by expert panel. Criteria: ENIGMA BRCA1/2 Classification Criteria (2015). Collection method: curation. Allele origin: germline.
Comment: Allele-specific assay on patient-derived mRNA demonstrated that the variant allele produces only predicted non-functional transcripts. Variant allele produces r.426_475del transcript (encoding predicted non-functional protein).

Labcorp Genetics (formerly Invitae), Labcorp
Classification: Pathogenic for Hereditary breast ovarian cancer syndrome. Last evaluated: 2025-09-01. Review status: criteria provided, single submitter. Criteria: Invitae Variant Classification Sherloc (09022015). Collection method: clinical testing. Allele origin: germline. Not counted in ClinVar's aggregate classification.
Comment: This sequence change affects a donor splice site in intron 5 of the BRCA2 gene. RNA analysis indicates that disruption of this splice site induces altered splicing and may result in an absent or altered protein product. This variant is not present in population databases (gnomAD no frequency). Disruption of this splice site has been observed in individual(s) with Fanconi Anemia and a personal and/or family history of breast and ovarian cancer (PMID: 28102861, 29176636, 29446198, 30792206). ClinVar contains an entry for this variant (Variation ID: 51708). Studies have shown that disruption of this splice site results in exon 5 skipping, and produces a non-functional protein and/or introduces a premature termination codon (PMID: 23451180). For these reasons, this variant has been classified as Pathogenic.

Ambry Genetics
Classification: Pathogenic for Hereditary cancer-predisposing syndrome. Last evaluated: 2025-06-02. Review status: criteria provided, single submitter. Criteria: Ambry Variant Classification Scheme 2023. Collection method: clinical testing. Allele origin: germline. Not counted in ClinVar's aggregate classification.
Comment: The c.475+1G>A intronic pathogenic mutation results from a G to A substitution one nucleotide after coding exon 4 of the BRCA2 gene. This nucleotide position is highly conserved in available vertebrate species. In silico splice site analysis predicts that this alteration will weaken the native splice donor site. RNA analysis of this alteration, designated as IVS5+1G>A, found it lead to skipping of exon 5, leading to protein truncation (Colombo M et al. PLoS ONE, 2013 Feb;8:e57173). This variant was identified in a Fanconi Anemia patient with a second pathogenic BRCA2 alteration (Mori, M et al. Haematologica 2019 Oct;104(10):1962-1973). In addition to the clinical data presented in the literature, alterations that disrupt the canonical splice site are expected to cause aberrant splicing, resulting in an abnormal protein or a transcript that is subject to nonsense-mediated mRNA decay. As such, this alteration is classified as a disease-causing mutation. However, because this variant is identified in one or more patients with Fanconi Anemia it may be hypomorphic and thus, carriers of this variant and their families may present with reduced risks, and not with the typical clinical characteristics of a high-risk pathogenic BRCA2 alteration. As risk estimates are unknown at this time, clinical correlation is advised.

Center for Genomic Medicine, Rigshospitalet, Copenhagen University Hospital
Classification: Pathogenic. Last evaluated: 2025-03-04. Review status: criteria provided, single submitter. Criteria: ACMG Guidelines, 2015. Collection method: clinical testing. Allele origin: germline. Not counted in ClinVar's aggregate classification.

Clinical Genetics Laboratory, Skane University Hospital Lund
Classification: Pathogenic. Last evaluated: 2023-10-24. Review status: criteria provided, single submitter. Criteria: ACMG Guidelines, 2015. Collection method: clinical testing. Allele origin: germline. Affected: yes. Not counted in ClinVar's aggregate classification.

Quest Diagnostics Nichols Institute San Juan Capistrano
Classification: Pathogenic. Last evaluated: 2023-10-20. Review status: criteria provided, single submitter. Criteria: Quest Diagnostics criteria. Collection method: clinical testing. Allele origin: unknown. Not counted in ClinVar's aggregate classification.
Comment: The BRCA2 c.475+1G>A variant disrupts a canonical splice-donor site and interferes with normal BRCA2 mRNA splicing. This variant has been reported in the published literature in individuals with Fanconi Anemia (PMID: 30792206 (2019)) and breast cancer (PMID: 24249303 (2015)). In addition, this variant has been shown to result in BRCA2 exon 5 skipping (PMID: 23451180 (2013)). This variant has not been reported in large, multi-ethnic general populations (Genome Aggregation Database). Based on the available information, this variant is classified as pathogenic.

Women's Health and Genetics/Laboratory Corporation of America, LabCorp
Classification: Pathogenic for Hereditary breast and ovarian cancer syndrome. Last evaluated: 2019-10-17. Review status: criteria provided, single submitter. Criteria: LabCorp Variant Classification Summary - May 2015. Collection method: clinical testing. Allele origin: germline. Not counted in ClinVar's aggregate classification.
Comment: Variant summary: BRCA2 c.475+1G>A is located in a canonical splice-site and is predicted to affect mRNA splicing resulting in a significantly altered protein due to either exon skipping, shortening, or inclusion of intronic material. Several computational tools predict a significant impact on normal splicing: Four predict that the variant abolishes a 5 prime splicing donor site. At least one publication reports experimental evidence that this variant affects mRNA splicing (Colombo_2012). The variant was absent in 251000 control chromosomes (gnomAD). c.475+1G>A has been reported in the literature in individuals affected with Hereditary Breast and Ovarian Cancer (e.g. Colombo_2012, Nakamura_2013, Arai_2018, Rebbeck_2018). These data indicate that the variant is likely to be associated with disease. The variant has also been detected along with a second BRCA2 mutation in trans in individuals affected with Fanconi anemia (e.g. Mori_2019). Three clinical diagnostic laboratories have submitted clinical-significance assessments for this variant to ClinVar (evaluation after 2014) and cited the variant as pathogenic. Based on the evidence outlined above, the variant was classified as pathogenic.

Mendelics
Classification: Pathogenic for Breast-ovarian cancer, familial, susceptibility to, 2. Last evaluated: 2019-05-28. Review status: criteria provided, single submitter. Criteria: Mendelics Assertion Criteria 2017. Collection method: clinical testing. Allele origin: unknown. Not counted in ClinVar's aggregate classification.

Consortium of Investigators of Modifiers of BRCA1/2 (CIMBA), c/o University of Cambridge
Classification: Pathogenic for Breast-ovarian cancer, familial, susceptibility to, 2. Last evaluated: 2015-10-02. Review status: criteria provided, single submitter. Criteria: CIMBA Mutation Classification guidelines May 2016. Collection method: clinical testing. Allele origin: germline. Not counted in ClinVar's aggregate classification.

Laboratory for Genotyping Development, RIKEN
Classification: Pathogenic for Gastric cancer. Last evaluated: 2021-07-01. Review status: no assertion criteria provided. Collection method: research. Allele origin: germline. Not counted in ClinVar's aggregate classification.

Breast Cancer Information Core (BIC) (BRCA2)
Classification: Pathogenic for Breast-ovarian cancer, familial 2. Last evaluated: 2002-05-29. Review status: no assertion criteria provided. Collection method: clinical testing. Allele origin: germline. Affected: yes. Observed: 2 variant alleles. Not counted in ClinVar's aggregate classification.

Literature cited by the submitters: PubMed 23451180 (cited by 5 submitters); PubMed 28102861 (cited by Labcorp Genetics (formerly Invitae), Labcorp and Ambry Genetics); PubMed 29176636 (cited by Labcorp Genetics (formerly Invitae), Labcorp and Women's Health and Genetics/Laboratory Corporation of America, LabCorp); PubMed 29446198 (cited by 3 submitters); PubMed 30792206 (cited by 3 submitters); PubMed 24249303 (cited by Quest Diagnostics Nichols Institute San Juan Capistrano and Women's Health and Genetics/Laboratory Corporation of America, LabCorp); PubMed 36988593 (cited by Laboratory for Genotyping Development, RIKEN).